The following is an entry in ClinVar:

NM_020937.4(FANCM):c.4069A>G (p.Ile1357Val)

Gene: FANCM (FA complementation group M; plus strand). Cytogenetic location: 14q21.2.
Variant type: single nucleotide variant.
Coding change: c.4069A>G on transcript NM_020937.4 (MANE Select); coding-DNA position 4069, A replaced by G.
Protein change: p.Ile1357Val; replaces isoleucine 1357 with valine.
Molecular consequence: missense variant.
Genome position (GRCh38, 1-based): chr14:45,176,823, A>G. VCF-style: chr14-45176823-A-G. GRCh37 (hg19) VCF-style: chr14-45646026-A-G.
Other names: c.3991A>G, p.Ile1331Val (NM_001308133.2); c.4069A>G (LRG_502t1); short protein forms I1357V, I1331V.
Identifiers: ClinVar variation 456267 (VCV000456267.9), dbSNP rs1555365093, ClinGen allele CA389604172.

ClinVar aggregate classification (germline): Uncertain significance. Review status: criteria provided, multiple submitters, no conflicts (2 of 4 stars). 2 submissions from 2 submitters: Uncertain significance (2). Last evaluated 2026-07-28.

Conditions:
Inborn genetic diseases. Identifiers: MedGen C0950123, MeSH D030342.
Fanconi anemia (FA). Also called: Fanconi's anemia. Identifiers: Orphanet 84, MedGen C0015625, MeSH D005199, MONDO:0019391.

Submissions (2):

Ambry Genetics
Classification: Uncertain significance for Inborn genetic diseases. Last evaluated: 2026-07-28. Review status: criteria provided, single submitter. Criteria: Ambry Variant Classification Scheme 2023. Collection method: clinical testing. Allele origin: germline.
Comment: The p.I1357V variant (also known as c.4069A>G), located in coding exon 14 of the FANCM gene, results from an A to G substitution at nucleotide position 4069. The isoleucine at codon 1357 is replaced by valine, an amino acid with highly similar properties. This amino acid position is conserved. In addition, this alteration is predicted to be tolerated by in silico analysis. Based on the available evidence, the clinical significance of this variant remains unclear.

Labcorp Genetics (formerly Invitae), Labcorp
Classification: Uncertain significance for Fanconi anemia. Last evaluated: 2022-11-22. Review status: criteria provided, single submitter. Criteria: Invitae Variant Classification Sherloc (09022015). Collection method: clinical testing. Allele origin: germline.
Comment: This sequence change replaces isoleucine, which is neutral and non-polar, with valine, which is neutral and non-polar, at codon 1357 of the FANCM protein (p.Ile1357Val). In summary, the available evidence is currently insufficient to determine the role of this variant in disease. Therefore, it has been classified as a Variant of Uncertain Significance. Algorithms developed to predict the effect of missense changes on protein structure and function output the following: SIFT: "Tolerated"; PolyPhen-2: "Benign"; Align-GVGD: "Class C0". The valine amino acid residue is found in multiple mammalian species, which suggests that this missense change does not adversely affect protein function. ClinVar contains an entry for this variant (Variation ID: 456267). This variant has not been reported in the literature in individuals affected with FANCM-related conditions. This variant is not present in population databases (gnomAD no frequency).